The following is an entry in ClinVar:

ClinVar aggregate classification (germline): Likely benign (1 of 4 stars; one submission).

Allele frequency attached by ClinVar (database versions not stated): ESP Exome Variant Server 0.00113.

Submission:

CeGaT Center for Human Genetics Tuebingen
Classification: Likely benign. Last evaluated: 2022-03-01. Review status: criteria provided, single submitter. Criteria: CeGaT Center For Human Genetics Tuebingen Variant Classification Criteria Version 2. Collection method: clinical testing. Allele origin: germline. Affected: yes. Observed: 1 variant allele.
Comment: NEURL4: BP4

NM_032442.3(NEURL4):c.2725+4C>T

Gene: NEURL4 (neuralized E3 ubiquitin protein ligase 4; minus strand). Cytogenetic location: 17p13.1.
Variant type: single nucleotide variant.
Coding change: c.2725+4C>T on transcript NM_032442.3 (MANE Select); 4 bases into the intron after coding-DNA position 2725, C replaced by T.
Molecular consequence: intron variant.
Genome position (GRCh38, 1-based): chr17:7,322,731, G>A on the plus strand (C>T on the coding strand, the complement: NEURL4 is on the minus strand). VCF-style: chr17-7322731-G-A. GRCh37 (hg19) VCF-style: chr17-7226050-G-A.
Other names: c.2719+4C>T (NM_001005408.2).
Identifiers: ClinVar variation 2647331 (VCV002647331.24), dbSNP rs202241869, ClinGen allele CA8342828.
Genomic context (GRCh38, chr17:7,322,731, plus strand): 5'-ACCCTACTCCTCAGGTGCACAGCAGGCAAGCAGAGCCCGTCCAGCCCCCGCCCTGCTGCC[G>A]CACCTGGGGAGTGCAGTGGGAAGGACTTCTCGGTGGCAGTGTTGCTGGTCGCCAGGCTGT-3'